The following is an entry in ClinVar:

ClinVar aggregate classification (germline): Uncertain significance. Review status: criteria provided, multiple submitters, no conflicts (2 of 4 stars). 2 submissions from 2 submitters: Uncertain significance (2). Last evaluated 2024-04-29.

Conditions:
Inborn genetic diseases. Identifiers: MedGen C0950123, MeSH D030342.
Dyskeratosis congenita. Identifiers: Orphanet 1775, MedGen C0265965, MONDO:0015780.

Allele frequency attached by ClinVar (database versions not stated): gnomAD 0.00001; ExAC 0.00002; TOPMed 0.00003; ESP Exome Variant Server 0.00008.
gnomAD v4.1: 20 of 1,614,004 alleles (0.0012%); highest among the groups gnomAD compares: Middle Eastern, 0.016%; no homozygotes.

Submissions (2):

Labcorp Genetics (formerly Invitae), Labcorp
Classification: Uncertain significance for Dyskeratosis congenita. Last evaluated: 2024-04-29. Review status: criteria provided, single submitter. Criteria: Invitae Variant Classification Sherloc (09022015). Collection method: clinical testing. Allele origin: germline.
Comment: This sequence change replaces valine, which is neutral and non-polar, with isoleucine, which is neutral and non-polar, at codon 1111 of the CTC1 protein (p.Val1111Ile). This variant is present in population databases (rs374284337, gnomAD 0.004%). This variant has not been reported in the literature in individuals affected with CTC1-related conditions. ClinVar contains an entry for this variant (Variation ID: 2145408). Advanced modeling of protein sequence and biophysical properties (such as structural, functional, and spatial information, amino acid conservation, physicochemical variation, residue mobility, and thermodynamic stability) performed at Invitae indicates that this missense variant is not expected to disrupt CTC1 protein function with a negative predictive value of 80%. In summary, the available evidence is currently insufficient to determine the role of this variant in disease. Therefore, it has been classified as a Variant of Uncertain Significance.

Ambry Genetics
Classification: Uncertain significance for Inborn genetic diseases. Last evaluated: 2023-02-23. Review status: criteria provided, single submitter. Criteria: Ambry Variant Classification Scheme 2023. Collection method: clinical testing. Allele origin: germline.

NM_025099.6(CTC1):c.3331G>A (p.Val1111Ile)

Gene: CTC1 (CST telomere replication complex component 1; minus strand). Cytogenetic location: 17p13.1.
Variant type: single nucleotide variant.
Coding change: c.3331G>A on transcript NM_025099.6 (MANE Select); coding-DNA position 3331, G replaced by A.
Protein change: p.Val1111Ile; replaces valine 1111 with isoleucine.
Molecular consequence: missense variant. On other transcripts: non-coding transcript variant (1).
Genome position (GRCh38, 1-based): chr17:8,228,783, C>T on the plus strand (G>A on the coding strand, the complement: CTC1 is on the minus strand). VCF-style: chr17-8228783-C-T. GRCh37 (hg19) VCF-style: chr17-8132101-C-T.
Other names: c.3331G>A (NM_025099.5); short protein forms V1111I.
Identifiers: ClinVar variation 2145408 (VCV002145408.6), dbSNP rs374284337, ClinGen allele CA8371807.